The following is an entry in ClinVar:

ClinVar aggregate classification (germline): Uncertain significance. Review status: criteria provided, multiple submitters, no conflicts (2 of 4 stars). 2 submissions from 2 submitters: Uncertain significance (2). Last evaluated 2026-08-18.

Conditions:
Inborn genetic diseases. Identifiers: MedGen C0950123, MeSH D030342.

Allele frequency attached by ClinVar (database versions not stated): TOPMed 0.00002.
gnomAD v4.1: 9 of 1,614,252 alleles (0.00056%); highest among the groups gnomAD compares: East Asian, 0.0022%; no homozygotes.

Submissions (2):

Ambry Genetics
Classification: Uncertain significance for Inborn genetic diseases. Last evaluated: 2026-08-18. Review status: criteria provided, single submitter. Criteria: Ambry Variant Classification Scheme 2023. Collection method: clinical testing. Allele origin: germline.

Labcorp Genetics (formerly Invitae), Labcorp
Classification: Uncertain significance. Last evaluated: 2022-05-06. Review status: criteria provided, single submitter. Criteria: Invitae Variant Classification Sherloc (09022015). Collection method: clinical testing. Allele origin: germline.
Comment: In summary, the available evidence is currently insufficient to determine the role of this variant in disease. Therefore, it has been classified as a Variant of Uncertain Significance. Algorithms developed to predict the effect of missense changes on protein structure and function are either unavailable or do not agree on the potential impact of this missense change (SIFT: "Deleterious"; PolyPhen-2: "Possibly Damaging"; Align-GVGD: "Class C15"). This variant has not been reported in the literature in individuals affected with TRPM1-related conditions. This variant is present in population databases (no rsID available, gnomAD 0.006%). This sequence change replaces valine, which is neutral and non-polar, with methionine, which is neutral and non-polar, at codon 384 of the TRPM1 protein (p.Val384Met).

NM_001252024.2(TRPM1):c.1216G>A (p.Val406Met)

Gene: TRPM1 (transient receptor potential cation channel subfamily M member 1; minus strand). Cytogenetic location: 15q13.3.
Variant type: single nucleotide variant.
Coding change: c.1216G>A on transcript NM_001252024.2 (MANE Select); coding-DNA position 1216, G replaced by A.
Protein change: p.Val406Met; replaces valine 406 with methionine.
Molecular consequence: missense variant.
Genome position (GRCh38, 1-based): chr15:31,060,591, C>T on the plus strand (G>A on the coding strand, the complement: TRPM1 is on the minus strand). VCF-style: chr15-31060591-C-T. GRCh37 (hg19) VCF-style: chr15-31352794-C-T.
Other names: c.1150G>A (NM_002420.4); c.1267G>A, p.Val423Met (NM_001252020.2); c.1150G>A, p.Val384Met (NM_002420.6); short protein forms V423M, V406M, V384M.
Identifiers: ClinVar variation 1923362 (VCV001923362.6), dbSNP rs1489063529, ClinGen allele CA391521480.